The following is an entry in ClinVar:

ClinVar aggregate classification (germline): Uncertain significance. Review status: criteria provided, single submitter (1 of 4 stars). 2 submissions from 2 submitters: Uncertain significance (1). 1 of the submissions does not count toward it. Last evaluated 2022-06-22.

Conditions:
Chédiak-Higashi syndrome (CHS). Also called: Chediak-Higashi Syndrome. Identifiers: Orphanet 167, MedGen C0007965, MONDO:0008963, OMIM 214500.

Submissions (2):

Labcorp Genetics (formerly Invitae), Labcorp
Classification: Uncertain significance for Chédiak-Higashi syndrome. Last evaluated: 2022-06-22. Review status: criteria provided, single submitter. Criteria: Invitae Variant Classification Sherloc (09022015). Collection method: clinical testing. Allele origin: germline.
Comment: Algorithms developed to predict the effect of sequence changes on RNA splicing suggest that this variant may disrupt the consensus splice site. Algorithms developed to predict the effect of missense changes on protein structure and function are either unavailable or do not agree on the potential impact of this missense change (SIFT: "Tolerated"; PolyPhen-2: "Probably Damaging"; Align-GVGD: "Class C0"). ClinVar contains an entry for this variant (Variation ID: 180630). This variant has not been reported in the literature in individuals affected with LYST-related conditions. This variant is not present in population databases (gnomAD no frequency). This sequence change replaces cysteine, which is neutral and slightly polar, with phenylalanine, which is neutral and non-polar, at codon 3701 of the LYST protein (p.Cys3701Phe). In summary, the available evidence is currently insufficient to determine the role of this variant in disease. Therefore, it has been classified as a Variant of Uncertain Significance.

GeneReviews
No classification provided. Condition: Chédiak-Higashi syndrome. Review status: no classification provided. Collection method: literature only. Allele origin: germline. Not counted in ClinVar's aggregate classification.

NM_000081.4(LYST):c.11102G>T (p.Cys3701Phe)

Gene: LYST (lysosomal trafficking regulator; minus strand). Cytogenetic location: 1q42.3.
Variant type: single nucleotide variant.
Coding change: c.11102G>T on transcript NM_000081.4 (MANE Select); coding-DNA position 11102, G replaced by T.
Protein change: p.Cys3701Phe; replaces cysteine 3701 with phenylalanine.
Molecular consequence: missense variant.
Genome position (GRCh38, 1-based): chr1:235,664,558, C>A on the plus strand (G>T on the coding strand, the complement: LYST is on the minus strand). VCF-style: chr1-235664558-C-A. GRCh37 (hg19) VCF-style: chr1-235827858-C-A.
Other names: NP_000072.2:p.Glu3668Ter; c.11102G>T, p.Cys3701Phe (NM_001301365.1); short protein forms C3701F.
Identifiers: ClinVar variation 180630 (VCV000180630.7), dbSNP rs797044541, ClinGen allele CA347118.